The following is an entry in ClinVar:

ClinVar aggregate classification (germline): Pathogenic (1 of 4 stars; one submission).

Submission:

Labcorp Genetics (formerly Invitae), Labcorp
Classification: Pathogenic. Last evaluated: 2020-12-24. Review status: criteria provided, single submitter. Criteria: Invitae Variant Classification Sherloc (09022015). Collection method: clinical testing. Allele origin: germline.
Comment: This variant is not present in population databases (ExAC no frequency). For these reasons, this variant has been classified as Pathogenic. This variant has been observed in individual(s) with 11 beta-hydroxylase deficiency (PMID: 8506298). This sequence change creates a premature translational stop signal (p.Lys174*) in the CYP11B1 gene. It is expected to result in an absent or disrupted protein product. Loss-of-function variants in CYP11B1 are known to be pathogenic (PMID: 8506298, 26476331).

Literature cited by the submitters: PubMed 8506298; PubMed 26476331.

NM_000497.4(CYP11B1):c.520A>T (p.Lys174Ter)

Genes: CYP11B1 (cytochrome P450 family 11 subfamily B member 1; minus strand), LOC106799833 (CYP11B1 recombination region; plus strand). Cytogenetic location: 8q24.3.
Variant type: single nucleotide variant.
Coding change: c.520A>T on transcript NM_000497.4 (MANE Select); coding-DNA position 520, A replaced by T.
Protein change: p.Lys174Ter; replaces lysine 174 with a stop codon.
Molecular consequence: nonsense.
Genome position (GRCh38, 1-based): chr8:142,877,098, T>A on the plus strand (A>T on the coding strand, the complement: CYP11B1 is on the minus strand). VCF-style: chr8-142877098-T-A. GRCh37 (hg19) VCF-style: chr8-143958514-T-A.
Other names: c.520A>T, p.Lys174Ter (NM_001026213.1); short protein forms K174*.
Identifiers: ClinVar variation 1383815 (VCV001383815.8), dbSNP rs2130276607, ClinGen allele CA372395986.